The following is an entry in ClinVar:

ClinVar aggregate classification (germline): Likely benign. Review status: criteria provided, multiple submitters, no conflicts (2 of 4 stars). 5 submissions from 5 submitters: Likely benign (5). Last evaluated 2025-12-26.

Conditions:
Juvenile polyposis syndrome (JPS). Identifiers: Orphanet 2929, MedGen C0345893, MONDO:0017380, OMIM 174900.
Hereditary cancer-predisposing syndrome. Also called: Neoplastic Syndromes, Hereditary; Hereditary Cancer Syndrome; Hereditary neoplastic syndrome; Tumor predisposition. Identifiers: Orphanet 140162, MedGen C0027672, MeSH D009386, MONDO:0015356.
Juvenile polyposis/hereditary hemorrhagic telangiectasia syndrome (JPHT). Also called: POLYPOSIS, GENERALIZED JUVENILE, WITH PULMONARY ARTERIOVENOUS MALFORMATION; TELANGIECTASIA, HEREDITARY HEMORRHAGIC, WITH JUVENILE POLYPOSIS COLI; Juvenile Polyposis Syndrome / Hereditary Hemorrhagic Telangiectasia (JPS/HHT); JP/HHT SYNDROME; JUVENILE POLYPOSIS WITH HEREDITARY HEMORRHAGIC TELANGIECTASIA. Identifiers: Orphanet 2929, MedGen C1832942, MONDO:0008278, OMIM 175050.

Allele frequency attached by ClinVar (database versions not stated): 1000 Genomes Project 0.00020; gnomAD exomes 0.00001 and 0.00002; ExAC 0.00004; TOPMed 0.00007; ESP Exome Variant Server 0.00008; gnomAD 0.00011 and 0.00012; 1000 Genomes Project 30x 0.00016.
gnomAD v4.1: 29 of 1,609,192 alleles (0.0018%); highest among the groups gnomAD compares: Middle Eastern, 0.033%; no homozygotes.

Submissions (5):

Labcorp Genetics (formerly Invitae), Labcorp
Classification: Likely benign for Juvenile polyposis syndrome. Last evaluated: 2025-12-26. Review status: criteria provided, single submitter. Criteria: Invitae Variant Classification Sherloc (09022015). Collection method: clinical testing. Allele origin: germline.

Myriad Genetics, Inc.
Classification: Likely benign for Juvenile polyposis/hereditary hemorrhagic telangiectasia syndrome. Last evaluated: 2025-03-18. Review status: criteria provided, single submitter. Criteria: Myriad Autosomal Dominant, Autosomal Recessive and X-Linked Classification Criteria (2023). Collection method: clinical testing. Allele origin: unknown.
Comment: This variant is considered likely benign. This variant is intronic and is not expected to impact mRNA splicing.

GeneDx
Classification: Likely benign. Last evaluated: 2018-05-09. Review status: criteria provided, single submitter. Criteria: GeneDx Variant Classification Process June 2021. Collection method: clinical testing. Allele origin: germline. Affected: yes.

PreventionGenetics, part of Exact Sciences
Classification: Likely benign. Last evaluated: 2018-01-05. Review status: criteria provided, single submitter. Criteria: ACMG Guidelines, 2015. Collection method: clinical testing. Allele origin: germline.

Color Diagnostics, LLC DBA Color Health
Classification: Likely benign for Hereditary cancer-predisposing syndrome. Last evaluated: 2016-03-17. Review status: criteria provided, single submitter. Criteria: ACMG Guidelines, 2015. Collection method: clinical testing. Allele origin: germline.

NM_005359.6(SMAD4):c.250-15C>T

Gene: SMAD4 (SMAD family member 4; plus strand). Cytogenetic location: 18q21.2.
Variant type: single nucleotide variant.
Coding change: c.250-15C>T on transcript NM_005359.6 (MANE Select); 15 bases into the intron before coding-DNA position 250, C replaced by T.
Molecular consequence: intron variant.
Genome position (GRCh38, 1-based): chr18:51,048,671, C>T. VCF-style: chr18-51048671-C-T. GRCh37 (hg19) VCF-style: chr18-48575041-C-T.
Identifiers: ClinVar variation 378623 (VCV000378623.14), dbSNP rs375910294, ClinGen allele CA8965764.